The following is an entry in ClinVar:

NM_000702.4(ATP1A2):c.529C>A (p.Gln177Lys)

Genes: ATP1A2 (ATPase Na+/K+ transporting subunit alpha 2; plus strand), LOC126805890 (CDK7 strongly-dependent group 2 enhancer GRCh37_chr1:160093987-160095186; plus strand). Cytogenetic location: 1q23.2.
Variant type: single nucleotide variant.
Coding change: c.529C>A on transcript NM_000702.4 (MANE Select); coding-DNA position 529, C replaced by A.
Protein change: p.Gln177Lys; replaces glutamine 177 with lysine.
Molecular consequence: missense variant.
Genome position (GRCh38, 1-based): chr1:160,124,329, C>A. VCF-style: chr1-160124329-C-A. GRCh37 (hg19) VCF-style: chr1-160094119-C-A.
Other names: short protein forms Q177K.
Identifiers: ClinVar variation 204905 (VCV000204905.9), dbSNP rs372536727, ClinGen allele CA313334.

ClinVar aggregate classification (germline): Uncertain significance (1 of 4 stars; one submission).

Conditions:
Familial hemiplegic migraine. Identifiers: MedGen C0338484, MONDO:0000700.

Allele frequency attached by ClinVar (database versions not stated): gnomAD exomes below 0.00001; gnomAD 0.00001; ExAC 0.00003; TOPMed 0.00003; ESP Exome Variant Server 0.00008.
gnomAD v4.1: 2 of 1,610,532 alleles (0.00012%); highest among the groups gnomAD compares: African/African-American, 0.0027%; no homozygotes.

Submission:

Labcorp Genetics (formerly Invitae), Labcorp
Classification: Uncertain significance for Familial hemiplegic migraine. Last evaluated: 2025-04-27. Review status: criteria provided, single submitter. Criteria: Invitae Variant Classification Sherloc (09022015). Collection method: clinical testing. Allele origin: germline.
Comment: This sequence change replaces glutamine, which is neutral and polar, with lysine, which is basic and polar, at codon 177 of the ATP1A2 protein (p.Gln177Lys). The frequency data for this variant in the population databases is considered unreliable, as metrics indicate poor data quality at this position in the gnomAD database. This variant has not been reported in the literature in individuals affected with ATP1A2-related conditions. ClinVar contains an entry for this variant (Variation ID: 204905). Invitae Evidence Modeling of protein sequence and biophysical properties (such as structural, functional, and spatial information, amino acid conservation, physicochemical variation, residue mobility, and thermodynamic stability) indicates that this missense variant is not expected to disrupt ATP1A2 protein function with a negative predictive value of 80%. In summary, the available evidence is currently insufficient to determine the role of this variant in disease. Therefore, it has been classified as a Variant of Uncertain Significance.